The following is an entry in ClinVar:

NM_000038.6(APC):c.7026A>T (p.Leu2342Phe)

Gene: APC (APC regulator of Wnt signaling pathway; plus strand). Cytogenetic location: 5q22.2.
Variant type: single nucleotide variant.
Coding change: c.7026A>T on transcript NM_000038.6 (MANE Select); coding-DNA position 7026, A replaced by T.
Protein change: p.Leu2342Phe; replaces leucine 2342 with phenylalanine.
Molecular consequence: missense variant.
Genome position (GRCh38, 1-based): chr5:112,842,620, A>T. VCF-style: chr5-112842620-A-T. GRCh37 (hg19) VCF-style: chr5-112178317-A-T.
Other names: c.6903A>T, p.Leu2301Phe (NM_001354900.2); c.6849A>T, p.Leu2283Phe (NM_001354901.2); c.6753A>T, p.Leu2251Phe (NM_001354902.2); c.6723A>T, p.Leu2241Phe (NM_001354903.2); c.6648A>T, p.Leu2216Phe (NM_001354904.2); c.6546A>T, p.Leu2182Phe (NM_001354905.2); c.6177A>T, p.Leu2059Phe (NM_001354906.2); c.7026A>T, p.Leu2342Phe (NM_001127510.3, NM_001354895.2); and 5 more; short protein forms L2342F, L2324F, L2241F, L2314F, L2352F, L2182F, L2251F, L2317F.
Identifiers: ClinVar variation 470074 (VCV000470074.20), dbSNP rs766086022, ClinGen allele CA16036647.
Genomic context (GRCh38, chr5:112,842,620, plus strand): 5'-GTCTCCTGGCCGAAACTCAATTTCCCCTGGTAGAAATGGAATAAGTCCTCCTAACAAATT[A>T]TCTCAACTTCCAAGGACATCATCCCCTAGTACTGCTTCAACTAAGTCCTCAGGTTCTGGA-3'
Protein context (NP_000029.2, residues 2332-2352): GRNGISPPNK[Leu2342Phe]SQLPRTSSPS

ClinVar aggregate classification (germline): Uncertain significance. Review status: criteria provided, multiple submitters, no conflicts (2 of 4 stars). 6 submissions from 6 submitters: Uncertain significance (6). Last evaluated 2025-11-11.

Conditions:
Familial adenomatous polyposis 1 (FAP1). Also called: POLYPOSIS, ADENOMATOUS INTESTINAL; FAMILIAL ADENOMATOUS POLYPOSIS 1, ATTENUATED. Identifiers: MedGen C2713442, MONDO:0021056, OMIM 175100. Disease mechanism: loss of function.
Hereditary cancer-predisposing syndrome. Also called: Hereditary neoplastic syndrome; Neoplastic Syndromes, Hereditary; Tumor predisposition; Hereditary Cancer Syndrome. Identifiers: Orphanet 140162, MedGen C0027672, MeSH D009386, MONDO:0015356.
Neoplasm of stomach. Also called: Gastric neoplasm; Neoplasm of the stomach; Stomach Neoplasms. Identifiers: MedGen C0038356, MONDO:0021085, HP:0006753. Disease mechanism: gain of function. Inheritance: Somatic mutation.
Classic or attenuated familial adenomatous polyposis. Identifiers: MedGen CN372698, MONDO:0021057.

gnomAD v4.1: 5 of 1,613,970 alleles (0.00031%); highest among the groups gnomAD compares: East Asian, 0.011%; no homozygotes.

Submissions (6):

Ambry Genetics
Classification: Uncertain significance for Hereditary cancer-predisposing syndrome. Last evaluated: 2025-11-11. Review status: criteria provided, single submitter. Criteria: Ambry Variant Classification Scheme 2023. Collection method: clinical testing. Allele origin: germline.
Comment: The p.L2342F variant (also known as c.7026A>T), located in coding exon 15 of the APC gene, results from an A to T substitution at nucleotide position 7026. The leucine at codon 2342 is replaced by phenylalanine, an amino acid with highly similar properties. This amino acid position is well conserved in available vertebrate species. In addition, in silico predictors for this gene do not accurately predict pathogenicity. Since supporting evidence is limited at this time, the clinical significance of this alteration remains unclear.

Labcorp Genetics (formerly Invitae), Labcorp
Classification: Uncertain significance for Familial adenomatous polyposis 1. Last evaluated: 2025-06-09. Review status: criteria provided, single submitter. Criteria: Invitae Variant Classification Sherloc (09022015). Collection method: clinical testing. Allele origin: germline.
Comment: This sequence change replaces leucine, which is neutral and non-polar, with phenylalanine, which is neutral and non-polar, at codon 2342 of the APC protein (p.Leu2342Phe). This variant is not present in population databases (gnomAD no frequency). This missense change has been observed in individual(s) with biliary tract cancer (PMID: 36243179). ClinVar contains an entry for this variant (Variation ID: 470074). Invitae Evidence Modeling of protein sequence and biophysical properties (such as structural, functional, and spatial information, amino acid conservation, physicochemical variation, residue mobility, and thermodynamic stability) indicates that this missense variant is not expected to disrupt APC protein function with a negative predictive value of 95%. In summary, the available evidence is currently insufficient to determine the role of this variant in disease. Therefore, it has been classified as a Variant of Uncertain Significance.

All of Us Research Program, National Institutes of Health
Classification: Uncertain significance for Classic or attenuated familial adenomatous polyposis. Last evaluated: 2024-05-30. Review status: criteria provided, single submitter. Criteria: ACMG Guidelines, 2015. Collection method: clinical testing. Allele origin: germline. Inheritance: Autosomal dominant inheritance. Observed: 1 variant allele, 1 heterozygote.
Comment: This missense variant replaces leucine with phenylalanine at codon 2342 of the APC protein. Computational prediction suggests that this variant may not impact protein structure and function (internally defined REVEL score threshold <= 0.5, PMID: 27666373). To our knowledge, functional studies have not been reported for this variant. This variant has not been reported in individuals affected with APC-related disorders in the literature. This variant has not been identified in the general population by the Genome Aggregation Database (gnomAD). The available evidence is insufficient to determine the role of this variant in disease conclusively. Therefore, this variant is classified as a Variant of Uncertain Significance.

This study involves interpretation of variants in research participants for the purpose of population health screening. Participant phenotype was not available at the time of variant classification. Additional details can be found in publication PMID: 35346344, PMCID: PMC8962531

Color Diagnostics, LLC DBA Color Health
Classification: Uncertain significance for Hereditary cancer-predisposing syndrome. Last evaluated: 2024-05-08. Review status: criteria provided, single submitter. Criteria: ACMG Guidelines, 2015. Collection method: clinical testing. Allele origin: germline.
Comment: This missense variant replaces leucine with phenylalanine at codon 2342 of the APC protein. Computational prediction suggests that this variant may not impact protein structure and function (internally defined REVEL score threshold <= 0.5, PMID: 27666373). To our knowledge, functional studies have not been reported for this variant. This variant has not been reported in individuals affected with APC-related disorders in the literature. This variant has not been identified in the general population by the Genome Aggregation Database (gnomAD). The available evidence is insufficient to determine the role of this variant in disease conclusively. Therefore, this variant is classified as a Variant of Uncertain Significance.

GeneDx
Classification: Uncertain significance. Last evaluated: 2022-11-09. Review status: criteria provided, single submitter. Criteria: GeneDx Variant Classification Process June 2021. Collection method: clinical testing. Allele origin: germline. Affected: yes.
Comment: Not observed at significant frequency in large population cohorts (gnomAD); In silico analysis supports that this missense variant does not alter protein structure/function; Has not been previously published as pathogenic or benign to our knowledge

3DMed Clinical Laboratory Inc
Classification: Uncertain significance for Neoplasm of stomach. Last evaluated: 2017-05-18. Review status: criteria provided, single submitter. Criteria: ACMG Guidelines, 2015. Collection method: clinical testing. Allele origin: germline. Affected: yes. Observed: 2 variant alleles.

Literature cited by the submitters: PubMed 36243179 (cited by Labcorp Genetics (formerly Invitae), Labcorp).